The following is an entry in ClinVar:

ClinVar aggregate classification (germline): Uncertain significance (1 of 4 stars; one submission).

Conditions:
Familial thoracic aortic aneurysm and aortic dissection (TAAD). Also called: Thoracic aortic aneurysms and dissections. Identifiers: Orphanet 91387, MedGen C4707243, MONDO:0019625.

Submission:

Labcorp Genetics (formerly Invitae), Labcorp
Classification: Uncertain significance for Familial thoracic aortic aneurysm and aortic dissection. Last evaluated: 2022-06-30. Review status: criteria provided, single submitter. Criteria: Invitae Variant Classification Sherloc (09022015). Collection method: clinical testing. Allele origin: germline.
Comment: In summary, the available evidence is currently insufficient to determine the role of this variant in disease. Therefore, it has been classified as a Variant of Uncertain Significance. Algorithms developed to predict the effect of missense changes on protein structure and function (SIFT, PolyPhen-2, Align-GVGD) all suggest that this variant is likely to be tolerated. ClinVar contains an entry for this variant (Variation ID: 1487150). This variant has not been reported in the literature in individuals affected with MAT2A-related conditions. This variant is not present in population databases (gnomAD no frequency). This sequence change replaces serine, which is neutral and polar, with alanine, which is neutral and non-polar, at codon 96 of the MAT2A protein (p.Ser96Ala).

NM_005911.6(MAT2A):c.286T>G (p.Ser96Ala)

Genes: GGCX (gamma-glutamyl carboxylase; minus strand), MAT2A (methionine adenosyltransferase 2A; plus strand). Cytogenetic location: 2p11.2.
Variant type: single nucleotide variant.
Coding change: c.286T>G on transcript NM_005911.6 (MANE Select); coding-DNA position 286, T replaced by G.
Protein change: p.Ser96Ala; replaces serine 96 with alanine.
Molecular consequence: missense variant.
Genome position (GRCh38, 1-based): chr2:85,541,371, T>G. VCF-style: chr2-85541371-T-G. GRCh37 (hg19) VCF-style: chr2-85768494-T-G.
Other names: short protein forms S96A.
Identifiers: ClinVar variation 1487150 (VCV001487150.8), dbSNP rs2103916591, ClinGen allele CA347476136.
Genomic context (GRCh38, chr2:85,541,371, plus strand): 5'-GCTGTTGACTACCAGAAAGTGGTTCGTGAAGCTGTTAAACACATTGGATATGATGATTCT[T>G]CCAAAGGTGTGTTTTAATGATTTTGCTCATTTTTTTCTAGGTAACAGCTGTGAGGTTTGA-3'
Protein context (NP_005902.1, residues 86-106): AVKHIGYDDS[Ser96Ala]KGFDYKTCNV